The following is an entry in ClinVar:

NM_025215.6(PUS1):c.74+2del

Gene: PUS1 (pseudouridine synthase 1; plus strand). Cytogenetic location: 12q24.33.
Variant type: Deletion.
Coding change: c.74+2del on transcript NM_025215.6 (MANE Select); the canonical splice donor site of the intron after coding-DNA position 74, one base deleted (T; older notation c.74+2delT).
Molecular consequence: splice donor variant. On other transcripts: intron variant (2).
Genome position (GRCh38, 1-based): chr12:131,929,798, T deleted. VCF-style (leftmost placement, unchanged base first): chr12-131929797-GT-G. GRCh37 (hg19) VCF-style: chr12-132414342-GT-G.
Other names: c.-10-109del (NM_001002019.3, NM_001002020.3).
Identifiers: ClinVar variation 2011327 (VCV002011327.4), dbSNP rs2541388364, ClinGen allele CA2580085967.

ClinVar aggregate classification (germline): Likely pathogenic (1 of 4 stars; one submission).

Submission:

Labcorp Genetics (formerly Invitae), Labcorp
Classification: Likely pathogenic. Last evaluated: 2022-06-27. Review status: criteria provided, single submitter. Criteria: Invitae Variant Classification Sherloc (09022015). Collection method: clinical testing. Allele origin: germline.
Comment: In summary, the currently available evidence indicates that the variant is pathogenic, but additional data are needed to prove that conclusively. Therefore, this variant has been classified as Likely Pathogenic. Algorithms developed to predict the effect of sequence changes on RNA splicing suggest that this variant may disrupt the consensus splice site. This variant has not been reported in the literature in individuals affected with PUS1-related conditions. This variant is not present in population databases (gnomAD no frequency). This sequence change affects a splice site in intron 1 of the PUS1 gene. It is expected to disrupt RNA splicing. Variants that disrupt the donor or acceptor splice site typically lead to a loss of protein function (PMID: 16199547), and loss-of-function variants in PUS1 are known to be pathogenic (PMID: 17056637, 19731322, 25058219, 26556812).

Literature cited by the submitters: PubMed 16199547; PubMed 17056637; PubMed 19731322; PubMed 25058219; PubMed 26556812.